The following is an entry in ClinVar:

ClinVar aggregate classification (germline): Uncertain significance. Review status: criteria provided, multiple submitters, no conflicts (2 of 4 stars). 3 submissions from 3 submitters: Uncertain significance (3). Last evaluated 2025-08-21.

Conditions:
Inborn genetic diseases. Identifiers: MedGen C0950123, MeSH D030342.

Allele frequency attached by ClinVar (database versions not stated): ExAC 0.00011; 1000 Genomes Project 30x 0.00016; 1000 Genomes Project 0.00020.
gnomAD v4.1: 154 of 1,608,964 alleles (0.0096%); highest among the groups gnomAD compares: East Asian, 0.042%; no homozygotes.

Submissions (3):

Labcorp Genetics (formerly Invitae), Labcorp
Classification: Uncertain significance. Last evaluated: 2025-08-21. Review status: criteria provided, single submitter. Criteria: Invitae Variant Classification Sherloc (09022015). Collection method: clinical testing. Allele origin: germline.
Comment: This sequence change replaces alanine, which is neutral and non-polar, with valine, which is neutral and non-polar, at codon 1772 of the RTTN protein (p.Ala1772Val). This variant is present in population databases (rs200631915, gnomAD 0.07%). This variant has not been reported in the literature in individuals affected with RTTN-related conditions. ClinVar contains an entry for this variant (Variation ID: 1485608). Invitae Evidence Modeling of protein sequence and biophysical properties (such as structural, functional, and spatial information, amino acid conservation, physicochemical variation, residue mobility, and thermodynamic stability) indicates that this missense variant is not expected to disrupt RTTN protein function with a negative predictive value of 80%. In summary, the available evidence is currently insufficient to determine the role of this variant in disease. Therefore, it has been classified as a Variant of Uncertain Significance.

GeneDx
Classification: Uncertain significance. Last evaluated: 2022-06-22. Review status: criteria provided, single submitter. Criteria: GeneDx Variant Classification Process June 2021. Collection method: clinical testing. Allele origin: germline. Affected: yes.
Comment: In silico analysis supports that this missense variant does not alter protein structure/function; Has not been previously published as pathogenic or benign to our knowledge

Ambry Genetics
Classification: Uncertain significance for Inborn genetic diseases. Last evaluated: 2021-08-30. Review status: criteria provided, single submitter. Criteria: Ambry Variant Classification Scheme 2023. Collection method: clinical testing. Allele origin: germline.

NM_173630.4(RTTN):c.5315C>T (p.Ala1772Val)

Gene: RTTN (rotatin; minus strand). Cytogenetic location: 18q22.2.
Variant type: single nucleotide variant.
Coding change: c.5315C>T on transcript NM_173630.4 (MANE Select); coding-DNA position 5315, C replaced by T.
Protein change: p.Ala1772Val; replaces alanine 1772 with valine.
Molecular consequence: missense variant.
Genome position (GRCh38, 1-based): chr18:70,051,419, G>A on the plus strand (C>T on the coding strand, the complement: RTTN is on the minus strand). VCF-style: chr18-70051419-G-A. GRCh37 (hg19) VCF-style: chr18-67718655-G-A.
Other names: c.2579C>T, p.Ala860Val (NM_001318520.2); short protein forms A1772V, A860V.
Identifiers: ClinVar variation 1485608 (VCV001485608.8), dbSNP rs200631915, ClinGen allele CA8994984.